The following is an entry in ClinVar:

ClinVar aggregate classification (germline): Uncertain significance (1 of 4 stars; one submission).

Conditions:
Muscle AMP deaminase deficiency (MMDD). Also called: AMPD1 DEFICIENCY; ADENOSINE MONOPHOSPHATE DEAMINASE-1 DEFICIENCY, MYOPATHY DUE TO; Myoadenylate deaminase deficiency, myopathy due to; Adenosine monophosphate deaminase 1 deficiency; AMP deaminase 1 deficiency; Adenosine Monophosphate Deaminase 1. Identifiers: Orphanet 45, MedGen C3714933, MONDO:0014220, OMIM 615511.

Allele frequency attached by ClinVar (database versions not stated): TOPMed 0.00001; gnomAD 0.00003; gnomAD exomes 0.00003; ExAC 0.00005; 1000 Genomes Project 30x 0.00016; 1000 Genomes Project 0.00020.

Submission:

Labcorp Genetics (formerly Invitae), Labcorp
Classification: Uncertain significance for Muscle AMP deaminase deficiency. Last evaluated: 2022-06-12. Review status: criteria provided, single submitter. Criteria: Invitae Variant Classification Sherloc (09022015). Collection method: clinical testing. Allele origin: germline.
Comment: This sequence change replaces aspartic acid, which is acidic and polar, with asparagine, which is neutral and polar, at codon 736 of the AMPD1 protein (p.Asp736Asn). This variant is present in population databases (rs531229976, gnomAD 0.03%). This variant has not been reported in the literature in individuals affected with AMPD1-related conditions. Algorithms developed to predict the effect of missense changes on protein structure and function output the following: SIFT: "Tolerated"; PolyPhen-2: "Benign"; Align-GVGD: "Class C0". The asparagine amino acid residue is found in multiple mammalian species, which suggests that this missense change does not adversely affect protein function. In summary, the available evidence is currently insufficient to determine the role of this variant in disease. Therefore, it has been classified as a Variant of Uncertain Significance.

NM_000036.3(AMPD1):c.2107G>A (p.Asp703Asn)

Gene: AMPD1 (adenosine monophosphate deaminase 1; minus strand). Cytogenetic location: 1p13.2.
Variant type: single nucleotide variant.
Coding change: c.2107G>A on transcript NM_000036.3 (MANE Select); coding-DNA position 2107, G replaced by A.
Protein change: p.Asp703Asn; replaces aspartic acid 703 with asparagine.
Molecular consequence: missense variant.
Genome position (GRCh38, 1-based): chr1:114,673,251, C>T on the plus strand (G>A on the coding strand, the complement: AMPD1 is on the minus strand). VCF-style: chr1-114673251-C-T. GRCh37 (hg19) VCF-style: chr1-115215872-C-T.
Other names: c.2095G>A, p.Asp699Asn (NM_001172626.2); short protein forms D699N, D703N.
Identifiers: ClinVar variation 2057076 (VCV002057076.1), dbSNP rs531229976, ClinGen allele CA1019918.
Genomic context (GRCh38, chr1:114,673,251, plus strand): 5'-TTTGGGCTACATTTGTCCTCCGGATATCATTTCCAGCAGGGCCTTCCTCAAGGTAATTGT[C>T]GCCCAGAAACTTTACTTTCTCCTATAAGAGAAAAGGATGGCAGAATGATTGTTGTCTCTT-3'
Protein context (NP_000027.3, residues 693-713): SHEEKVKFLG[Asp703Asn]NYLEEGPAGN